The following is an entry in ClinVar:

NM_001367805.3(KIF23):c.999C>A (p.Asp333Glu)

Gene: KIF23 (kinesin family member 23; plus strand). Cytogenetic location: 15q23.
Variant type: single nucleotide variant.
Coding change: c.999C>A on transcript NM_001367805.3 (MANE Select); coding-DNA position 999, C replaced by A.
Protein change: p.Asp333Glu; replaces aspartic acid 333 with glutamic acid.
Molecular consequence: missense variant. On other transcripts: non-coding transcript variant (2).
Genome position (GRCh38, 1-based): chr15:69,426,445, C>A. VCF-style: chr15-69426445-C-A. GRCh37 (hg19) VCF-style: chr15-69718784-C-A.
Other names: c.627C>A, p.Asp209Glu (NM_001281301.2); c.957C>A, p.Asp319Glu (NM_001367804.2, NM_004856.7, NM_138555.4); short protein forms D209E, D319E, D333E.
Identifiers: ClinVar variation 2689312 (VCV002689312.3), dbSNP rs1192866131, ClinGen allele CA393005102.

ClinVar aggregate classification (germline): Uncertain significance. Review status: criteria provided, multiple submitters, no conflicts (2 of 4 stars). 2 submissions from 2 submitters: Uncertain significance (2). Last evaluated 2025-05-21.

Allele frequency attached by ClinVar (database versions not stated): gnomAD 0.00001.
gnomAD v4.1: 13 of 1,613,914 alleles (0.00081%); highest among the groups gnomAD compares: African/African-American, 0.0013%; no homozygotes.

Submissions (2):

Labcorp Genetics (formerly Invitae), Labcorp
Classification: Uncertain significance. Last evaluated: 2025-05-21. Review status: criteria provided, single submitter. Criteria: Invitae Variant Classification Sherloc (09022015). Collection method: clinical testing. Allele origin: germline.
Comment: This sequence change replaces aspartic acid, which is acidic and polar, with glutamic acid, which is acidic and polar, at codon 319 of the KIF23 protein (p.Asp319Glu). This variant is not present in population databases (gnomAD no frequency). This variant has not been reported in the literature in individuals affected with KIF23-related conditions. ClinVar contains an entry for this variant (Variation ID: 2689312). An algorithm developed to predict the effect of missense changes on protein structure and function (PolyPhen-2) suggests that this variant is likely to be tolerated. In summary, the available evidence is currently insufficient to determine the role of this variant in disease. Therefore, it has been classified as a Variant of Uncertain Significance.

Revvity Omics, Revvity
Classification: Uncertain significance. Last evaluated: 2023-08-11. Review status: criteria provided, single submitter. Criteria: ACMG Guidelines, 2015. Collection method: clinical testing. Allele origin: germline.